The following is an entry in ClinVar:

ClinVar aggregate classification (germline): Uncertain significance (1 of 4 stars; one submission).

Conditions:
Hypertrophic cardiomyopathy. Also called: HYPERTROPHIC MYOCARDIOPATHY. Identifiers: Orphanet 217569, MedGen C0007194, MeSH D002312, MONDO:0005045, HP:0001639.

Submission:

Labcorp Genetics (formerly Invitae), Labcorp
Classification: Uncertain significance for Hypertrophic cardiomyopathy. Last evaluated: 2025-02-06. Review status: criteria provided, single submitter. Criteria: Invitae Variant Classification Sherloc (09022015). Collection method: clinical testing. Allele origin: germline.
Comment: This sequence change replaces leucine, which is neutral and non-polar, with valine, which is neutral and non-polar, at codon 172 of the MYL3 protein (p.Leu172Val). This variant is not present in population databases (gnomAD no frequency). This variant has not been reported in the literature in individuals affected with MYL3-related conditions. An algorithm developed to predict the effect of missense changes on protein structure and function (PolyPhen-2) suggests that this variant is likely to be tolerated. In summary, the available evidence is currently insufficient to determine the role of this variant in disease. Therefore, it has been classified as a Variant of Uncertain Significance.

NM_000258.3(MYL3):c.514T>G (p.Leu172Val)

Gene: MYL3 (myosin light chain 3; minus strand). Cytogenetic location: 3p21.31.
Variant type: single nucleotide variant.
Coding change: c.514T>G on transcript NM_000258.3 (MANE Select); coding-DNA position 514, T replaced by G.
Protein change: p.Leu172Val; replaces leucine 172 with valine.
Molecular consequence: missense variant.
Genome position (GRCh38, 1-based): chr3:46,858,429, A>C on the plus strand (T>G on the coding strand, the complement: MYL3 is on the minus strand). VCF-style: chr3-46858429-A-C. GRCh37 (hg19) VCF-style: chr3-46899919-A-C.
Other names: c.514T>G, p.Leu172Val (NM_001406937.1, NM_001406938.1, NM_001406939.1); c.340T>G, p.Leu114Val (NM_001406940.1); c.325T>G, p.Leu109Val (NM_001406941.1); short protein forms L109V, L172V, L114V.
Identifiers: ClinVar variation 4712425 (VCV004712425.1).
Genomic context (GRCh38, chr3:46,858,429, plus strand): 5'-CCCTGCTGAGCCCACCTTCATAGTTGATGCAGCCATTGGAGTCCTCTTGCCCAGCCATCA[A>C]CTTCTCCACTTCGTCTTCTGTCAGCCTCTCACCTGGCAGGAGTGGGAGGCTGAGTCAGCA-3'
Protein context (NP_000249.1, residues 162-182): ERLTEDEVEK[Leu172Val]MAGQEDSNGC